The following is an entry in ClinVar:

NM_001453.3(FOXC1):c.995T>C (p.Leu332Pro)

Gene: FOXC1 (forkhead box C1; plus strand). Cytogenetic location: 6p25.3.
Variant type: single nucleotide variant.
Coding change: c.995T>C on transcript NM_001453.3 (MANE Select); coding-DNA position 995, T replaced by C.
Protein change: p.Leu332Pro; replaces leucine 332 with proline.
Molecular consequence: missense variant.
Genome position (GRCh38, 1-based): chr6:1,611,440, T>C. VCF-style: chr6-1611440-T-C. GRCh37 (hg19) VCF-style: chr6-1611675-T-C.
Other names: short protein forms L332P.
Identifiers: ClinVar variation 2054959 (VCV002054959.4), dbSNP rs780556121, ClinGen allele CA3614846.

ClinVar aggregate classification (germline): Uncertain significance (1 of 4 stars; one submission).

Conditions:
Axenfeld-Rieger syndrome type 3 (RIEG3). Also called: AXENFELD-RIEGER ANOMALY WITH CARDIAC DEFECTS AND/OR SENSORINEURAL HEARING LOSS. Identifiers: Orphanet 782, MedGen C2678503, MONDO:0011233, OMIM 602482.

Allele frequency attached by ClinVar (database versions not stated): ExAC 0.00009; gnomAD exomes below 0.00001; TOPMed below 0.00001.
gnomAD v4.1: 1 of 1,406,342 alleles (0.000071%); highest among the groups gnomAD compares: Admixed American, 0.0028%; no homozygotes.

Submission:

Labcorp Genetics (formerly Invitae), Labcorp
Classification: Uncertain significance for Axenfeld-Rieger syndrome type 3. Last evaluated: 2023-08-04. Review status: criteria provided, single submitter. Criteria: Invitae Variant Classification Sherloc (09022015). Collection method: clinical testing. Allele origin: germline.
Comment: In summary, the available evidence is currently insufficient to determine the role of this variant in disease. Therefore, it has been classified as a Variant of Uncertain Significance. An algorithm developed to predict the effect of missense changes on protein structure and function (PolyPhen-2) suggests that this variant is likely to be disruptive. ClinVar contains an entry for this variant (Variation ID: 2054959). This variant has not been reported in the literature in individuals affected with FOXC1-related conditions. The frequency data for this variant in the population databases is considered unreliable, as metrics indicate poor data quality at this position in the gnomAD database. This sequence change replaces leucine, which is neutral and non-polar, with proline, which is neutral and non-polar, at codon 332 of the FOXC1 protein (p.Leu332Pro).